The following is an entry in ClinVar:

NM_000069.3(CACNA1S):c.2754G>A (p.Val918=)

Gene: CACNA1S (calcium voltage-gated channel subunit alpha1 S; minus strand). Cytogenetic location: 1q32.1.
Variant type: single nucleotide variant.
Coding change: c.2754G>A on transcript NM_000069.3 (MANE Select); coding-DNA position 2754, G replaced by A.
Protein change: p.Val918=; no amino-acid change (valine 918 retained).
Molecular consequence: synonymous variant.
Genome position (GRCh38, 1-based): chr1:201,065,937, C>T on the plus strand (G>A on the coding strand, the complement: CACNA1S is on the minus strand). VCF-style: chr1-201065937-C-T. GRCh37 (hg19) VCF-style: chr1-201035065-C-T.
Identifiers: ClinVar variation 294739 (VCV000294739.41), dbSNP rs150708636, ClinGen allele CA10608735.

ClinVar aggregate classification (germline): Conflicting classifications of pathogenicity. Review status: criteria provided, conflicting classifications (1 of 4 stars). 4 submissions from 4 submitters: Uncertain significance (1); Likely benign (3). Last evaluated 2025-10-02.

Conditions:
Hypokalemic periodic paralysis, type 1. Also called: HypoPP; Hypokalemic Periodic Paralysis Type 1 (AD). Identifiers: Orphanet 681, MedGen C3714580, MONDO:0042979, OMIM 170400.
Malignant hyperthermia, susceptibility to, 5 (MHS5). Also called: CACNA1S-Related Malignant Hyperthermia Susceptibility. Identifiers: Orphanet 423, MedGen C1866077, MONDO:0011163, OMIM 601887.

Allele frequency attached by ClinVar (database versions not stated): gnomAD exomes 0.00002; TOPMed 0.00003; gnomAD 0.00004; ESP Exome Variant Server 0.00015.
gnomAD v4.1: 37 of 1,609,926 alleles (0.0023%); highest among the groups gnomAD compares: Middle Eastern, 0.016%; no homozygotes.

Submissions (4):

Labcorp Genetics (formerly Invitae), Labcorp
Classification: Likely benign for Hypokalemic periodic paralysis, type 1; Malignant hyperthermia, susceptibility to, 5. Last evaluated: 2025-10-02. Review status: criteria provided, single submitter. Criteria: Invitae Variant Classification Sherloc (09022015). Collection method: clinical testing. Allele origin: germline.

Color Diagnostics, LLC DBA Color Health
Classification: Likely benign for Malignant hyperthermia, susceptibility to, 5. Last evaluated: 2025-07-28. Review status: criteria provided, single submitter. Criteria: ACMG Guidelines, 2015. Collection method: clinical testing. Allele origin: germline.

CeGaT Center for Human Genetics Tuebingen
Classification: Likely benign. Last evaluated: 2024-11-01. Review status: criteria provided, single submitter. Criteria: CeGaT Center For Human Genetics Tuebingen Variant Classification Criteria Version 2. Collection method: clinical testing. Allele origin: germline. Affected: yes. Observed: 2 variant alleles.
Comment: CACNA1S: BP4, BP7

Illumina Laboratory Services, Illumina
Classification: Uncertain significance for Hypokalemic periodic paralysis, type 1. Last evaluated: 2018-01-13. Review status: criteria provided, single submitter. Criteria: ICSL Variant Classification Criteria 13 December 2019. Collection method: clinical testing. Allele origin: germline.